The following is an entry in ClinVar:

ClinVar aggregate classification (germline): Uncertain significance (1 of 4 stars; one submission).

Conditions:
Inborn genetic diseases. Identifiers: MedGen C0950123, MeSH D030342.

Submission:

Ambry Genetics
Classification: Uncertain significance for Inborn genetic diseases. Last evaluated: 2026-04-11. Review status: criteria provided, single submitter. Criteria: Ambry Variant Classification Scheme 2023. Collection method: clinical testing. Allele origin: germline.
Comment: The p.S4A variant (also known as c.10T>G), located in coding exon 1 of the FANCA gene, results from a T to G substitution at nucleotide position 10. The serine at codon 4 is replaced by alanine, an amino acid with similar properties. This amino acid position is conserved. In addition, this alteration is predicted to be tolerated by in silico analysis. Based on the available evidence, the clinical significance of this variant remains unclear.

NM_000135.4(FANCA):c.10T>G (p.Ser4Ala)

Genes: FANCA (FA complementation group A; minus strand), LOC112486223 (Sharpr-MPRA regulatory region 3988; plus strand). Cytogenetic location: 16q24.3.
Variant type: single nucleotide variant.
Coding change: c.10T>G on transcript NM_000135.4 (MANE Select); coding-DNA position 10, T replaced by G.
Protein change: p.Ser4Ala; replaces serine 4 with alanine.
Molecular consequence: missense variant.
Genome position (GRCh38, 1-based): chr16:89,816,606, A>C on the plus strand (T>G on the coding strand, the complement: FANCA is on the minus strand). VCF-style: chr16-89816606-A-C. GRCh37 (hg19) VCF-style: chr16-89883014-A-C.
Other names: c.10T>G, p.Ser4Ala (NM_001018112.3, NM_001286167.3, NM_001351830.2); short protein forms S4A.
Identifiers: ClinVar variation 4870827 (VCV004870827.1).